The following is an entry in ClinVar:

NM_017617.5(NOTCH1):c.6733G>A (p.Gly2245Arg)

Gene: NOTCH1 (notch receptor 1; minus strand). Cytogenetic location: 9q34.3.
Variant type: single nucleotide variant.
Coding change: c.6733G>A on transcript NM_017617.5 (MANE Select); coding-DNA position 6733, G replaced by A.
Protein change: p.Gly2245Arg; replaces glycine 2245 with arginine.
Molecular consequence: missense variant.
Genome position (GRCh38, 1-based): chr9:136,497,006, C>T on the plus strand (G>A on the coding strand, the complement: NOTCH1 is on the minus strand). VCF-style: chr9-136497006-C-T. GRCh37 (hg19) VCF-style: chr9-139391458-C-T.
Other names: c.6733G>A, p.Gly2245Arg (LRG_1122t1); short protein forms G2245R.
Identifiers: ClinVar variation 134951 (VCV000134951.21), dbSNP rs201613894, ClinGen allele CA161229.

ClinVar aggregate classification (germline): Conflicting classifications of pathogenicity. Review status: criteria provided, conflicting classifications (1 of 4 stars). 6 submissions from 6 submitters: Uncertain significance (1); Likely benign (4). 1 of the submissions does not count toward it. Last evaluated 2026-09-01.

Conditions:
Connective tissue disorder. Also called: Connective tissue disease. Identifiers: MedGen C0009782, MONDO:0003900.
Adams-Oliver syndrome 5 (AOS5). Identifiers: Orphanet 974, MedGen C4014970, MONDO:0014459, OMIM 616028.
Familial thoracic aortic aneurysm and aortic dissection (TAAD). Also called: Thoracic aortic aneurysms and dissections. Identifiers: Orphanet 91387, MedGen C4707243, MONDO:0019625.

Allele frequency attached by ClinVar (database versions not stated): gnomAD exomes 0.00020 and 0.00023; ExAC 0.00038; TOPMed 0.00017; 1000 Genomes Project 30x 0.00031; ESP Exome Variant Server 0.00024; gnomAD 0.00019; 1000 Genomes Project 0.00040.

Submissions (6):

Ambry Genetics
Classification: Likely benign for Familial thoracic aortic aneurysm and aortic dissection. Last evaluated: 2026-09-01. Review status: criteria provided, single submitter. Criteria: Ambry Variant Classification Scheme 2023. Collection method: clinical testing. Allele origin: germline.

Labcorp Genetics (formerly Invitae), Labcorp
Classification: Likely benign for Adams-Oliver syndrome 5. Last evaluated: 2025-12-22. Review status: criteria provided, single submitter. Criteria: Invitae Variant Classification Sherloc (09022015). Collection method: clinical testing. Allele origin: germline.

GeneDx
Classification: Uncertain significance. Last evaluated: 2025-05-11. Review status: criteria provided, single submitter. Criteria: GeneDx Variant Classification Process June 2021. Collection method: clinical testing. Allele origin: germline. Affected: yes.
Comment: Has not been previously published in association with a NOTCH1-related phenotype to our knowledge; In silico analysis suggests that this missense variant does not alter protein structure/function; This variant is associated with the following publications: (PMID: 23860447, 24113472, 33918692, 24728327, 33735874)

Blueprint Genetics
Classification: Likely benign. Last evaluated: 2024-11-11. Review status: criteria provided, single submitter. Criteria: ACMG Guidelines, 2015. Collection method: clinical testing. Allele origin: germline.

Center for Human Genetics, Inc
Classification: Likely benign for Connective tissue disorder. Last evaluated: 2016-11-01. Review status: criteria provided, single submitter. Criteria: ACMG Guidelines, 2015. Collection method: clinical testing. Allele origin: germline. Affected: yes.

ITMI
No classification provided. Condition: AllHighlyPenetrant. Last evaluated: 2013-09-19. Review status: no classification provided. Collection method: reference population. Allele origin: germline. Not counted in ClinVar's aggregate classification.
Comment: Please see associated publication for description of ethnicities

Literature cited by the submitters: PubMed 24728327 (cited by ITMI).